The following is an entry in ClinVar:

NM_020812.4(DOCK6):c.4848C>T (p.Ala1616=)

Genes: DOCK6 (dedicator of cytokinesis 6; minus strand), DOCK6-AS1 (DOCK6 antisense RNA 1; plus strand). Cytogenetic location: 19p13.2.
Variant type: single nucleotide variant.
Coding change: c.4848C>T on transcript NM_020812.4 (MANE Select); coding-DNA position 4848, C replaced by T.
Protein change: p.Ala1616=; no amino-acid change (alanine 1616 retained).
Molecular consequence: synonymous variant.
Genome position (GRCh38, 1-based): chr19:11,209,007, G>A on the plus strand (C>T on the coding strand, the complement: DOCK6 is on the minus strand). VCF-style: chr19-11209007-G-A. GRCh37 (hg19) VCF-style: chr19-11319683-G-A.
Other names: c.4953C>T, p.Ala1651= (NM_001367830.1).
Identifiers: ClinVar variation 724923 (VCV000724923.13), dbSNP rs190830362, ClinGen allele CA9206718.

ClinVar aggregate classification (germline): Likely benign. Review status: criteria provided, multiple submitters, no conflicts (2 of 4 stars). 3 submissions from 3 submitters: Likely benign (2). 1 of the submissions does not count toward it. Last evaluated 2025-12-13.

Conditions:
DOCK6-related disorder. Also called: DOCK6-related condition.

Allele frequency attached by ClinVar (database versions not stated): TOPMed 0.00026; gnomAD 0.00029 and 0.00031; ExAC 0.00032; gnomAD exomes 0.00034 and 0.00037; 1000 Genomes Project 0.00040; ESP Exome Variant Server 0.00040; 1000 Genomes Project 30x 0.00062.
gnomAD v4.1: 584 of 1,611,446 alleles (0.036%); highest among the groups gnomAD compares: East Asian, 0.054%; no homozygotes.

Submissions (3):

Labcorp Genetics (formerly Invitae), Labcorp
Classification: Likely benign. Last evaluated: 2025-12-13. Review status: criteria provided, single submitter. Criteria: Invitae Variant Classification Sherloc (09022015). Collection method: clinical testing. Allele origin: germline.

Blueprint Genetics
Classification: Likely benign. Last evaluated: 2024-11-25. Review status: criteria provided, single submitter. Criteria: ACMG Guidelines, 2015. Collection method: clinical testing. Allele origin: germline.

PreventionGenetics, part of Exact Sciences
Classification: Likely benign for DOCK6-related condition. Last evaluated: 2022-01-03. Review status: no assertion criteria provided. Collection method: clinical testing. Allele origin: germline. Not counted in ClinVar's aggregate classification.
Comment: This variant is classified as likely benign based on ACMG/AMP sequence variant interpretation guidelines (Richards et al. 2015 PMID: 25741868, with internal and published modifications).